The following is an entry in ClinVar:

ClinVar aggregate classification (germline): Benign (1 of 4 stars; one submission).

Allele frequency attached by ClinVar (database versions not stated): 1000 Genomes Project 30x 0.58042; 1000 Genomes Project 0.58506; TOPMed 0.63375; gnomAD 0.64726 and 0.65295.
gnomAD v4.1: 99,336 of 151,806 alleles (65%); highest among the groups gnomAD compares: Middle Eastern, 81%; 35,187 homozygotes.

Submission:

GeneDx
Classification: Benign. Last evaluated: 2018-06-14. Review status: criteria provided, single submitter. Criteria: GeneDx Variant Classification (06012015). Collection method: clinical testing. Allele origin: germline. Affected: yes.
Comment: This variant is considered likely benign or benign based on one or more of the following criteria: it is a conservative change, it occurs at a poorly conserved position in the protein, it is predicted to be benign by multiple in silico algorithms, and/or has population frequency not consistent with disease.

NM_206933.4(USH2A):c.11231+259A>C

Gene: USH2A (usherin; minus strand). Cytogenetic location: 1q41.
Variant type: single nucleotide variant.
Coding change: c.11231+259A>C on transcript NM_206933.4 (MANE Select); 259 bases into the intron after coding-DNA position 11231, A replaced by C.
Molecular consequence: intron variant.
Genome position (GRCh38, 1-based): chr1:215,759,401, T>G on the plus strand (A>C on the coding strand, the complement: USH2A is on the minus strand). VCF-style: chr1-215759401-T-G. GRCh37 (hg19) VCF-style: chr1-215932743-T-G.
Identifiers: ClinVar variation 667897 (VCV000667897.1), dbSNP rs1832951, ClinGen allele CA10896912.
Genomic context (GRCh38, chr1:215,759,401, plus strand): 5'-CTCTTTTATTGCTAGTTCAAGGATGCGTGTTTTTGAAGATAATTTGGTAATTTTTAAAGT[T>G]TAATACTTCATGTATTTTGTATATTTAAAAATTCTCATGCTTTTATGTCAAACAGAAGAC-3'